The following is an entry in ClinVar:

NM_032444.4(SLX4):c.4511G>C (p.Ser1504Thr)

Gene: SLX4 (SLX4 structure-specific endonuclease subunit; minus strand). Cytogenetic location: 16p13.3.
Variant type: single nucleotide variant.
Coding change: c.4511G>C on transcript NM_032444.4 (MANE Select); coding-DNA position 4511, G replaced by C.
Protein change: p.Ser1504Thr; replaces serine 1504 with threonine.
Molecular consequence: missense variant.
Genome position (GRCh38, 1-based): chr16:3,589,127, C>G on the plus strand (G>C on the coding strand, the complement: SLX4 is on the minus strand). VCF-style: chr16-3589127-C-G. GRCh37 (hg19) VCF-style: chr16-3639128-C-G.
Other names: short protein forms S1504T.
Identifiers: ClinVar variation 943536 (VCV000943536.9), dbSNP rs1485376668, ClinGen allele CA394516990.
Genomic context (GRCh38, chr16:3,589,127, plus strand): 5'-GTCTCTGGAGGCCTCTGCTCTTCCCCGTCCCAAACGTCCCACAGAGCCGAATTCAGAAAG[C>G]TCGGCCTGCTATTCCCCAGGGAGCCCGCGCCCGAGGACTTCTCTTGCAATTTCCTCTGGG-3'
Protein context (NP_115820.2, residues 1494-1514): GAGSLGNSRP[Ser1504Thr]FLNSALWDVW

ClinVar aggregate classification (germline): Uncertain significance (1 of 4 stars; one submission).

Conditions:
Fanconi anemia (FA). Also called: Fanconi's anemia. Identifiers: Orphanet 84, MedGen C0015625, MeSH D005199, MONDO:0019391.

Submission:

Labcorp Genetics (formerly Invitae), Labcorp
Classification: Uncertain significance for Fanconi anemia. Last evaluated: 2019-06-29. Review status: criteria provided, single submitter. Criteria: Invitae Variant Classification Sherloc (09022015). Collection method: clinical testing. Allele origin: germline.
Comment: This variant is not present in population databases (ExAC no frequency). This sequence change replaces serine with threonine at codon 1504 of the SLX4 protein (p.Ser1504Thr). The serine residue is highly conserved and there is a small physicochemical difference between serine and threonine. This variant has not been reported in the literature in individuals with SLX4-related conditions. Algorithms developed to predict the effect of missense changes on protein structure and function are either unavailable or do not agree on the potential impact of this missense change (SIFT: "Deleterious"; PolyPhen-2: "Probably Damaging"; Align-GVGD: "Class C0"). In summary, the available evidence is currently insufficient to determine the role of this variant in disease. Therefore, it has been classified as a Variant of Uncertain Significance.